The following is an entry in ClinVar:

ClinVar aggregate classification (germline): Uncertain significance (0 of 4 stars; one submission).

Conditions:
BDNF-related disorder. Also called: BDNF-related condition.

Submission:

PreventionGenetics, part of Exact Sciences
Classification: Uncertain significance for BDNF-related condition. Last evaluated: 2023-12-18. Review status: no assertion criteria provided. Collection method: clinical testing. Allele origin: germline.
Comment: The BDNF c.77A>C variant is predicted to result in the amino acid substitution p.Gln26Pro. To our knowledge, this variant has not been reported in the literature or in a large population database, indicating this variant is rare. At this time, the clinical significance of this variant is uncertain due to the absence of conclusive functional and genetic evidence.

NM_001709.5(BDNF):c.-21-15623A>C

Genes: BDNF (brain derived neurotrophic factor; minus strand), BDNF-AS (BDNF antisense RNA; plus strand). Cytogenetic location: 11p14.1.
Variant type: single nucleotide variant.
Coding change: c.-21-15623A>C on transcript NM_001709.5 (MANE Select); 15623 bases into the intron before 21 bases upstream of the start codon, A replaced by C.
Molecular consequence: intron variant. On other transcripts: missense variant (1), 5 prime UTR variant (1).
Genome position (GRCh38, 1-based): chr11:27,674,208, T>G on the plus strand (A>C on the coding strand, the complement: BDNF is on the minus strand). VCF-style: chr11-27674208-T-G. GRCh37 (hg19) VCF-style: chr11-27695755-T-G.
Other names: c.77A>C, p.Gln26Pro (NM_001143810.2); c.-287A>C (NM_001143811.2); c.4-15623A>C (NM_170731.5); c.-21-15623A>C (NM_001143805.1, NM_001143806.1, NM_170732.4 and 5 more transcripts); c.67-15623A>C (NM_001143809.2); c.-128-15282A>C (NM_001143814.2); c.25-15623A>C (NM_170734.4); short protein forms Q26P.
Identifiers: ClinVar variation 3349143 (VCV003349143.1).